The following is an entry in ClinVar:

ClinVar aggregate classification (germline): Benign/Likely benign. Review status: criteria provided, multiple submitters, no conflicts (2 of 4 stars). 10 submissions from 7 submitters: Benign (5); Likely benign (5). Last evaluated 2026-09-01.

Conditions:
Cardiovascular phenotype. Identifiers: MedGen CN230736.
Autosomal recessive limb-girdle muscular dystrophy type 2J (LGMDR10). Also called: MUSCULAR DYSTROPHY, LIMB-GIRDLE, AUTOSOMAL RECESSIVE 10; Limb-girdle muscular dystrophy, type 2J. Identifiers: Orphanet 140922, MedGen C1837342, MONDO:0012127, OMIM 608807.
Dilated cardiomyopathy 1G (CMD1G). Identifiers: Orphanet 154, MedGen C1858763, MONDO:0011400, OMIM 604145.
Early-onset myopathy with fatal cardiomyopathy (CMYO5). Also called: CONGENITAL MYOPATHY 5 WITH CARDIOMYOPATHY; Salih Myopathy. Identifiers: Orphanet 289377, MedGen C2673677, MONDO:0012714, OMIM 611705. Disease mechanism: loss of function.
Myopathy, myofibrillar, 9, with early respiratory failure (MFM9). Also called: Myopathy, distal, with early respiratory failure, autosomal dominant; Hereditary myopathy with early respiratory failure; EDSTROM MYOPATHY; MYOPATHY, PROXIMAL, WITH EARLY RESPIRATORY MUSCLE INVOLVEMENT. Identifiers: Orphanet 178464, Orphanet 34521, MedGen C1863599, MONDO:0011362, OMIM 603689.
Tibial muscular dystrophy (TMD). Also called: Tibial muscular dystrophy, tardive; Udd Distal Myopathy – Tibial Muscular Dystrophy; UDD MYOPATHY. Identifiers: Orphanet 609, MedGen C1838244, MONDO:0010870, OMIM 600334.

Allele frequency attached by ClinVar (database versions not stated): gnomAD 0.00001; TOPMed 0.00002; ExAC 0.00003; gnomAD exomes 0.00012 and 0.00003.
gnomAD v4.1: 49 of 1,612,938 alleles (0.003%); highest among the groups gnomAD compares: Admixed American, 0.067%; no homozygotes.

Submissions (10):

CeGaT Center for Human Genetics Tuebingen
Classification: Likely benign. Last evaluated: 2026-09-01. Review status: criteria provided, single submitter. Criteria: CeGaT Center For Human Genetics Tuebingen Variant Classification Criteria Version 2. Collection method: clinical testing. Allele origin: germline. Affected: yes. Observed: 4 variant alleles.
Comment: TTN: BP4, BP7

Labcorp Genetics (formerly Invitae), Labcorp
Classification: Likely benign for Dilated cardiomyopathy 1G; Autosomal recessive limb-girdle muscular dystrophy type 2J. Last evaluated: 2026-01-27. Review status: criteria provided, single submitter. Criteria: Invitae Variant Classification Sherloc (09022015). Collection method: clinical testing. Allele origin: germline.

Ambry Genetics
Classification: Likely benign for Cardiovascular phenotype. Last evaluated: 2022-06-14. Review status: criteria provided, single submitter. Criteria: Ambry Variant Classification Scheme 2023. Collection method: clinical testing. Allele origin: germline.

Genome-Nilou Lab
Classification: Benign for Autosomal recessive limb-girdle muscular dystrophy type 2J. Last evaluated: 2021-09-10. Review status: criteria provided, single submitter. Criteria: ACMG Guidelines, 2015. Collection method: clinical testing. Allele origin: germline. Affected: no.

Genome-Nilou Lab
Classification: Benign for Myopathy, myofibrillar, 9, with early respiratory failure. Last evaluated: 2021-09-10. Review status: criteria provided, single submitter. Criteria: ACMG Guidelines, 2015. Collection method: clinical testing. Allele origin: germline. Affected: no.

Genome-Nilou Lab
Classification: Benign for Early-onset myopathy with fatal cardiomyopathy. Last evaluated: 2021-09-10. Review status: criteria provided, single submitter. Criteria: ACMG Guidelines, 2015. Collection method: clinical testing. Allele origin: germline. Affected: no.

Genome-Nilou Lab
Classification: Benign for Tibial muscular dystrophy. Last evaluated: 2021-09-10. Review status: criteria provided, single submitter. Criteria: ACMG Guidelines, 2015. Collection method: clinical testing. Allele origin: germline. Affected: no.

GeneDx
Classification: Benign. Last evaluated: 2015-11-30. Review status: criteria provided, single submitter. Criteria: GeneDx Variant Classification (06012015). Collection method: clinical testing. Allele origin: germline. Affected: yes.
Comment: This variant is considered likely benign or benign based on one or more of the following criteria: it is a conservative change, it occurs at a poorly conserved position in the protein, it is predicted to be benign by multiple in silico algorithms, and/or has population frequency not consistent with disease.

Laboratory for Molecular Medicine, Mass General Brigham Personalized Medicine
Classification: Likely benign. Last evaluated: 2012-06-06. Review status: criteria provided, single submitter. Criteria: LMM Criteria. Collection method: clinical testing. Allele origin: germline. Observed: 1 variant allele.
Comment: Ala20152Ala in exon 269 of TTN: This variant is not expected to have clinical si gnificance because it does not alter an amino acid residue and is not located wi thin the splice consensus sequence. Ala20152Ala in exon 269 of TTN (allele freq uency = n/a)

Breakthrough Genomics
Classification: Likely benign. Review status: criteria provided, single submitter. Criteria: ACMG Guidelines, 2015. Collection method: not provided. Allele origin: germline. Inheritance: Autosomal recessive inheritance. Affected: yes.

NM_001267550.2(TTN):c.68160C>T (p.Ala22720=)

Genes: TTN (titin; minus strand), TTN-AS1 (TTN antisense RNA 1; plus strand), LOC126806423 (CDK7 strongly-dependent group 2 enhancer GRCh37_chr2:179443309-179444508; plus strand). Cytogenetic location: 2q31.2.
Variant type: single nucleotide variant.
Coding change: c.68160C>T on transcript NM_001267550.2 (MANE Select); coding-DNA position 68160, C replaced by T.
Protein change: p.Ala22720=; no amino-acid change (alanine 22720 retained).
Molecular consequence: synonymous variant.
Genome position (GRCh38, 1-based): chr2:178,578,870, G>A on the plus strand (C>T on the coding strand, the complement: TTN is on the minus strand). VCF-style: chr2-178578870-G-A. GRCh37 (hg19) VCF-style: chr2-179443597-G-A.
Other names: c.63237C>T, p.Ala21079= (NM_001256850.1); c.60456C>T, p.Ala20152= (NM_133378.4); c.40965C>T, p.Ala13655= (NM_003319.4); c.41340C>T, p.Ala13780= (NM_133432.3); c.41541C>T, p.Ala13847= (NM_133437.4).
Identifiers: ClinVar variation 47261 (VCV000047261.50), dbSNP rs397517673, ClinGen allele CA140494.